The following is an entry in ClinVar:

ClinVar aggregate classification (germline): Uncertain significance (1 of 4 stars; one submission).

Conditions:
Progressive myoclonic epilepsy type 5. Identifiers: Orphanet 402082, MedGen C5190799.

Allele frequency attached by ClinVar (database versions not stated): gnomAD exomes below 0.00001; ExAC 0.00001; gnomAD 0.00001; TOPMed 0.00001.
gnomAD v4.1: 11 of 1,614,108 alleles (0.00068%); highest among the groups gnomAD compares: African/African-American, 0.004%; no homozygotes.

Submission:

Labcorp Genetics (formerly Invitae), Labcorp
Classification: Uncertain significance for Progressive myoclonic epilepsy type 5. Last evaluated: 2024-10-23. Review status: criteria provided, single submitter. Criteria: Invitae Variant Classification Sherloc (09022015). Collection method: clinical testing. Allele origin: germline.
Comment: This sequence change replaces arginine, which is basic and polar, with glutamine, which is neutral and polar, at codon 335 of the PRICKLE2 protein (p.Arg335Gln). The frequency data for this variant in the population databases is considered unreliable, as metrics indicate poor data quality at this position in the gnomAD database. This variant has not been reported in the literature in individuals affected with PRICKLE2-related conditions. ClinVar contains an entry for this variant (Variation ID: 941760). Invitae Evidence Modeling of protein sequence and biophysical properties (such as structural, functional, and spatial information, amino acid conservation, physicochemical variation, residue mobility, and thermodynamic stability) indicates that this missense variant is not expected to disrupt PRICKLE2 protein function with a negative predictive value of 80%. In summary, the available evidence is currently insufficient to determine the role of this variant in disease. Therefore, it has been classified as a Variant of Uncertain Significance.

NM_198859.4(PRICKLE2):c.1004G>A (p.Arg335Gln)

Gene: PRICKLE2 (prickle planar cell polarity protein 2; minus strand). Cytogenetic location: 3p14.1.
Variant type: single nucleotide variant.
Coding change: c.1004G>A on transcript NM_198859.4 (MANE Select); coding-DNA position 1004, G replaced by A.
Protein change: p.Arg335Gln; replaces arginine 335 with glutamine.
Molecular consequence: missense variant.
Genome position (GRCh38, 1-based): chr3:64,147,486, C>T on the plus strand (G>A on the coding strand, the complement: PRICKLE2 is on the minus strand). VCF-style: chr3-64147486-C-T. GRCh37 (hg19) VCF-style: chr3-64133162-C-T.
Other names: c.1004G>A, p.Arg335Gln (NM_001370528.1); short protein forms R335Q.
Identifiers: ClinVar variation 941760 (VCV000941760.7), dbSNP rs754654816, ClinGen allele CA2479707.